The following is an entry in ClinVar:

NC_000011.9:g.(?_108098352)_(108236235_?)dup

Gene: ATM (ATM serine/threonine kinase; plus strand). Cytogenetic location: 11q22.3.
Variant type: Duplication.
Identifiers: ClinVar variation 2422235 (VCV002422235.3).

ClinVar aggregate classification (germline): Uncertain significance (1 of 4 stars; one submission).

Conditions:
Ataxia-telangiectasia syndrome (AT). Also called: Cerebello-oculocutaneous telangiectasia; Immunodeficiency with ataxia telangiectasia; Ataxia-telangiectasia; AT, COMPLEMENTATION GROUP C; Ataxia telangiectasia (A-T); LOUIS-BAR SYNDROME. Identifiers: Orphanet 100, MedGen C0004135, MONDO:0008840, OMIM 208900.

Submission:

Labcorp Genetics (formerly Invitae), Labcorp
Classification: Uncertain significance for Ataxia-telangiectasia syndrome. Last evaluated: 2022-10-25. Review status: criteria provided, single submitter. Criteria: Invitae Variant Classification Sherloc (09022015). Collection method: clinical testing. Allele origin: germline.
Comment: A copy number gain of the genomic region encompassing the full coding sequence of the ATM gene has been identified. The boundaries of this event are unknown as they extend beyond the assayed region for this gene and therefore may encompass additional genes. As the precise location of this event is unknown, it may be in tandem or it may be located elsewhere in the genome. This variant has not been reported in the literature in individuals affected with ATM-related conditions. Experimental studies and prediction algorithms are not available or were not evaluated, and the functional significance of this variant is currently unknown. In summary, the available evidence is currently insufficient to determine the role of this variant in disease. Therefore, it has been classified as a Variant of Uncertain Significance.